The following is an entry in ClinVar:

ClinVar aggregate classification (germline): Uncertain significance (1 of 4 stars; one submission).

Allele frequency attached by ClinVar (database versions not stated): TOPMed 0.00001; gnomAD 0.00003; ExAC 0.00005; ESP Exome Variant Server 0.00008.
gnomAD v4.1: 18 of 1,545,120 alleles (0.0012%); highest among the groups gnomAD compares: East Asian, 0.0024%; no homozygotes.

Submission:

Labcorp Genetics (formerly Invitae), Labcorp
Classification: Uncertain significance. Last evaluated: 2023-08-16. Review status: criteria provided, single submitter. Criteria: Invitae Variant Classification Sherloc (09022015). Collection method: clinical testing. Allele origin: germline.
Comment: In summary, the available evidence is currently insufficient to determine the role of this variant in disease. Therefore, it has been classified as a Variant of Uncertain Significance. Variants that disrupt the consensus splice site are a relatively common cause of aberrant splicing (PMID: 17576681, 9536098). Algorithms developed to predict the effect of sequence changes on RNA splicing suggest that this variant is not likely to affect RNA splicing. ClinVar contains an entry for this variant (Variation ID: 1984423). This variant has not been reported in the literature in individuals affected with DGKZ-related conditions. The frequency data for this variant in the population databases is considered unreliable, as metrics indicate poor data quality at this position in the gnomAD database. This sequence change falls in intron 14 of the DGKZ gene. It does not directly change the encoded amino acid sequence of the DGKZ protein. It affects a nucleotide within the consensus splice site.

Literature cited by the submitters: PubMed 17576681; PubMed 9536098.

NM_001199267.2(DGKZ):c.1183-3C>A

Gene: DGKZ (diacylglycerol kinase zeta; plus strand). Cytogenetic location: 11p11.2.
Variant type: single nucleotide variant.
Coding change: c.1183-3C>A on transcript NM_001199267.2 (MANE Select); 3 bases into the intron before coding-DNA position 1183, C replaced by A.
Molecular consequence: intron variant.
Genome position (GRCh38, 1-based): chr11:46,372,958, C>A. VCF-style: chr11-46372958-C-A. GRCh37 (hg19) VCF-style: chr11-46394508-C-A.
Other names: c.1234-3C>A (NM_201532.3); c.1198-3C>A (NM_201533.3); c.1186-3C>A (NM_001199266.2, NM_003646.4); c.1117-3C>A (NM_001199268.2); c.1750-3C>A (NM_001105540.2).
Identifiers: ClinVar variation 1984423 (VCV001984423.4), dbSNP rs373427444, ClinGen allele CA5962780.